The following is an entry in ClinVar:

ClinVar aggregate classification (germline): Uncertain significance. Review status: criteria provided, multiple submitters, no conflicts (2 of 4 stars). 2 submissions from 2 submitters: Uncertain significance (2). Last evaluated 2022-10-23.

Conditions:
Developmental delay and seizures with or without movement abnormalities. Identifiers: MedGen C4693376, MONDO:0044326, OMIM 617836.
Retinitis pigmentosa 59 (RP59). Identifiers: Orphanet 791, MedGen C3151227, MONDO:0013468, OMIM 613861.

Submissions (2):

Labcorp Genetics (formerly Invitae), Labcorp
Classification: Uncertain significance for Retinitis pigmentosa 59. Last evaluated: 2022-10-23. Review status: criteria provided, single submitter. Criteria: Invitae Variant Classification Sherloc (09022015). Collection method: clinical testing. Allele origin: germline.
Comment: This sequence change replaces valine, which is neutral and non-polar, with methionine, which is neutral and non-polar, at codon 173 of the DHDDS protein (p.Val173Met). This variant is not present in population databases (gnomAD no frequency). This variant has not been reported in the literature in individuals affected with DHDDS-related conditions. ClinVar contains an entry for this variant (Variation ID: 1333626). Advanced modeling of protein sequence and biophysical properties (such as structural, functional, and spatial information, amino acid conservation, physicochemical variation, residue mobility, and thermodynamic stability) performed at Invitae indicates that this missense variant is not expected to disrupt DHDDS protein function. In summary, the available evidence is currently insufficient to determine the role of this variant in disease. Therefore, it has been classified as a Variant of Uncertain Significance.

3billion
Classification: Uncertain significance for Developmental delay and seizures with or without movement abnormalities. Last evaluated: 2022-01-03. Review status: criteria provided, single submitter. Criteria: ACMG Guidelines, 2015. Collection method: clinical testing. Allele origin: germline. Affected: yes. Observed: 1 heterozygote.
Comment: The variant not observed in the gnomAD v2.1.1 dataset (PM2_M). In silico tool predictions suggest damaging effect of the variant on gene or gene product (REVEL: 0.763, PP3_P). A missense variant is a common mechanism associated with Developmental delay and seizures with or without movement abnormalities (PP2_P). Therefore, this variant is classified as uncertain significance according to the recommendation of ACMG/AMP guideline.

NM_205861.3(DHDDS):c.517G>A (p.Val173Met)

Gene: DHDDS (dehydrodolichyl diphosphate synthase subunit; plus strand). Cytogenetic location: 1p36.11.
Variant type: single nucleotide variant.
Coding change: c.517G>A on transcript NM_205861.3 (MANE Select); coding-DNA position 517, G replaced by A.
Protein change: p.Val173Met; replaces valine 173 with methionine.
Molecular consequence: missense variant. On other transcripts: intron variant (1).
Genome position (GRCh38, 1-based): chr1:26,447,635, G>A. VCF-style: chr1-26447635-G-A. GRCh37 (hg19) VCF-style: chr1-26774126-G-A.
Other names: c.400G>A, p.Val134Met (NM_001243565.2); c.238G>A, p.Val80Met (NM_001319959.2); c.517G>A, p.Val173Met (NM_024887.4); c.440+1203G>A (NM_001243564.2); short protein forms V134M, V173M, V80M.
Identifiers: ClinVar variation 1333626 (VCV001333626.3), dbSNP rs2075282159, ClinGen allele CA339143401.